The following is an entry in ClinVar:

NM_001009944.3(PKD1):c.6400G>A (p.Val2134Met)

Gene: PKD1 (polycystin 1, transient receptor potential channel interacting; minus strand). Cytogenetic location: 16p13.3.
Variant type: single nucleotide variant.
Coding change: c.6400G>A on transcript NM_001009944.3 (MANE Select); coding-DNA position 6400, G replaced by A.
Protein change: p.Val2134Met; replaces valine 2134 with methionine.
Molecular consequence: missense variant.
Genome position (GRCh38, 1-based): chr16:2,108,767, C>T on the plus strand (G>A on the coding strand, the complement: PKD1 is on the minus strand). VCF-style: chr16-2108767-C-T. GRCh37 (hg19) VCF-style: chr16-2158768-C-T.
Other names: c.6400G>A (NM_000296.3); c.6400G>A, p.Val2134Met (NM_000296.4); short protein forms V2134M.
Identifiers: ClinVar variation 3579366 (VCV003579366.3).

ClinVar aggregate classification (germline): Uncertain significance. Review status: criteria provided, multiple submitters, no conflicts (2 of 4 stars). 3 submissions from 3 submitters: Uncertain significance (3). Last evaluated 2026-04-23.

Conditions:
PKD1-related disorder. Also called: PKD1-related condition.
Inborn genetic diseases. Identifiers: MedGen C0950123, MeSH D030342.
Polycystic kidney disease, adult type (PKD1). Also called: Polycystic Kidney Disease 1, Autosomal Dominant; Polycystic kidney disease 1; Polycystic kidney disease 1, severe; Polycystic Kidney, Autosomal Dominant; POLYCYSTIC KIDNEY DISEASE, ADULT, TYPE I; POLYCYSTIC KIDNEY DISEASE 1 WITH OR WITHOUT POLYCYSTIC LIVER DISEASE. Identifiers: MedGen C3149841, MONDO:0008263, OMIM 173900.

gnomAD v4.1: 40 of 1,571,296 alleles (0.0025%); highest among the groups gnomAD compares: South Asian, 0.0081%; no homozygotes.

Submissions (3):

PreventionGenetics, part of Exact Sciences
Classification: Uncertain significance for PKD1-related condition. Last evaluated: 2026-04-23. Review status: criteria provided, single submitter. Criteria: ACMG Guidelines, 2015. Collection method: clinical testing. Allele origin: germline.
Comment: The PKD1 c.6400G>A variant is predicted to result in the amino acid substitution p.Val2134Met. To our knowledge, this variant has not been reported in the literature. This variant is reported in 0.0072% of alleles in individuals of East Asian descent in gnomAD. At this time, the clinical significance of this variant is uncertain due to the absence of conclusive functional and genetic evidence.

Ambry Genetics
Classification: Uncertain significance for Inborn genetic diseases. Last evaluated: 2025-01-21. Review status: criteria provided, single submitter. Criteria: Ambry Variant Classification Scheme 2023. Collection method: clinical testing. Allele origin: germline.

Fulgent Genetics
Classification: Uncertain significance for Polycystic kidney disease, adult type. Last evaluated: 2024-05-23. Review status: criteria provided, single submitter. Criteria: ACMG Guidelines, 2015. Collection method: clinical testing. Allele origin: germline.